The following is an entry in ClinVar:

NM_130797.4(DPP6):c.744C>G (p.Gly248=)

Gene: DPP6 (dipeptidyl peptidase like 6; plus strand). Cytogenetic location: 7q36.2.
Variant type: single nucleotide variant.
Coding change: c.744C>G on transcript NM_130797.4 (MANE Select); coding-DNA position 744, C replaced by G.
Protein change: p.Gly248=; no amino-acid change (glycine 248 retained).
Molecular consequence: synonymous variant. On other transcripts: non-coding transcript variant (2), intron variant (1).
Genome position (GRCh38, 1-based): chr7:154,669,423, C>G. VCF-style: chr7-154669423-C-G. GRCh37 (hg19) VCF-style: chr7-154461133-C-G.
Other names: c.552C>G, p.Gly184= (NM_001039350.3, NM_001364501.2); c.561C>G, p.Gly187= (NM_001364497.2, NM_001364498.2, NM_001364499.2 and 1 more transcripts); c.558C>G, p.Gly186= (NM_001936.5); c.442-58344C>G (NM_001290252.2).
Identifiers: ClinVar variation 2658261 (VCV002658261.24), dbSNP rs1435547397, ClinGen allele CA458839096.

ClinVar aggregate classification (germline): Likely benign (1 of 4 stars; one submission).

gnomAD v4.1: 3 of 1,554,724 alleles (0.00019%); highest among the groups gnomAD compares: South Asian, 0.0036%; no homozygotes.

Submission:

CeGaT Center for Human Genetics Tuebingen
Classification: Likely benign. Last evaluated: 2023-02-01. Review status: criteria provided, single submitter. Criteria: CeGaT Center For Human Genetics Tuebingen Variant Classification Criteria Version 2. Collection method: clinical testing. Allele origin: germline. Affected: yes. Observed: 1 variant allele.
Comment: DPP6: PM2:Supporting, BP4, BP7